The following is an entry in ClinVar:

ClinVar aggregate classification (germline): Uncertain significance. Review status: criteria provided, multiple submitters, no conflicts (2 of 4 stars). 2 submissions from 2 submitters: Uncertain significance (2). Last evaluated 2026-07-27.

Conditions:
Disorders of Intracellular Cobalamin Metabolism. Identifiers: MedGen CN043592.
Inborn genetic diseases. Identifiers: MedGen C0950123, MeSH D030342.

Allele frequency attached by ClinVar (database versions not stated): ExAC 0.00002; ESP Exome Variant Server 0.00008; gnomAD exomes 0.00001; TOPMed 0.00003; gnomAD 0.00006.
gnomAD v4.1: 54 of 1,614,054 alleles (0.0033%); highest among the groups gnomAD compares: Non-Finnish European, 0.0041%; no homozygotes.

Submissions (2):

Ambry Genetics
Classification: Uncertain significance for Inborn genetic diseases. Last evaluated: 2026-07-27. Review status: criteria provided, single submitter. Criteria: Ambry Variant Classification Scheme 2023. Collection method: clinical testing. Allele origin: germline.
Comment: The c.1472G>A (p.G491D) alteration is located in exon 11 (coding exon 10) of the MTRR gene. This alteration results from a G to A substitution at nucleotide position 1472, causing the glycine (G) at amino acid position 491 to be replaced by an aspartic acid (D). Based on data from gnomAD, the A allele has an overall frequency of 0.002% (5/282852) total alleles studied. The highest observed frequency was 0.008% (2/24966) of African alleles. Based on insufficient or conflicting evidence, the clinical significance of this alteration remains unclear.

Illumina Laboratory Services, Illumina
Classification: Uncertain significance for Disorders of Intracellular Cobalamin Metabolism. Last evaluated: 2018-01-12. Review status: criteria provided, single submitter. Criteria: ICSL Variant Classification Criteria 13 December 2019. Collection method: clinical testing. Allele origin: germline.

NM_002454.3(MTRR):c.1472G>A (p.Gly491Asp)

Gene: MTRR (5-methyltetrahydrofolate-homocysteine methyltransferase reductase; plus strand). Cytogenetic location: 5p15.31.
Variant type: single nucleotide variant.
Coding change: c.1472G>A on transcript NM_002454.3 (MANE Select); coding-DNA position 1472, G replaced by A.
Protein change: p.Gly491Asp; replaces glycine 491 with aspartic acid.
Molecular consequence: missense variant. On other transcripts: non-coding transcript variant (14).
Genome position (GRCh38, 1-based): chr5:7,892,828, G>A. VCF-style: chr5-7892828-G-A. GRCh37 (hg19) VCF-style: chr5-7892941-G-A.
Other names: c.1472G>A, p.Gly491Asp (NM_001364440.2, NM_001364441.2, NM_001364442.2 and 1 more transcripts); short protein forms G491D.
Identifiers: ClinVar variation 354363 (VCV000354363.8), dbSNP rs148284479, ClinGen allele CA3195959.